The following is an entry in ClinVar:

NM_004343.4(CALR):c.1108_1159del (p.Glu370fs)

Gene: CALR (calreticulin; plus strand). Cytogenetic location: 19p13.13.
Variant type: Deletion.
Coding change: c.1108_1159del on transcript NM_004343.4 (MANE Select); coding-DNA positions 1108 to 1159, 52 bases deleted.
Protein change: p.Glu370fs; shifts the reading frame from glutamic acid 370.
Molecular consequence: frameshift variant.
Genome position (GRCh38, 1-based): chr19:12,943,767-12,943,818, 52 bases deleted. GRCh37 (hg19): chr19:13,054,581-13,054,632.
Other names: short protein forms E370fs.
Identifiers: ClinVar variation 5036707 (VCV005036707.1).

ClinVar aggregate classification (germline): Likely pathogenic (1 of 4 stars; one submission).

Conditions:
Essential thrombocythemia. Also called: essential thrombocytemia; Suspected essential thromboythemia. Identifiers: Orphanet 3318, MedGen C0040028, MeSH D013920, MONDO:0005029.

Submission:

Dept of Medical Biology, Uskudar University
Classification: Likely pathogenic for Essential thrombocythemia. Last evaluated: 2026-09-23. Review status: criteria provided, single submitter. Criteria: Dept of Medical Biology Variant Classification. Collection method: research. Allele origin: unknown. Affected: yes. Observed: 1 variant allele.
Comment: PS1_moderate (by analogy): the frameshift generates the same neomorphic carboxy-terminus as the established pathogenic CALR type 1 and type 2 alleles (PMID:24325356; PMID:24325359). PM1: located in the exon 9 frameshift hotspot that generates the neomorphic carboxy-terminus. PM2_supporting: absent from gnomAD v4.1. PP4: carriers were JAK2 V617F-negative and referred for suspected myeloproliferative neoplasm, a phenotype highly specific for CALR-mutated disease. Classified as likely pathogenic under the ACMG/AMP 2015 guidelines (PMID:25741868). Detected in a retrospective series of 256 BCR::ABL1-negative and JAK2 V617F-negative patients referred for molecular investigation of a suspected myeloproliferative neoplasm (May 2007 to January 2015) and re-interpreted under the ACMG/AMP 2015 criteria.

Literature cited by the submitters: PubMed 24325356; PubMed 24325359.